The following is an entry in ClinVar:

NM_000455.5(STK11):c.404G>C (p.Gly135Ala)

Gene: STK11 (serine/threonine kinase 11; plus strand). Cytogenetic location: 19p13.3.
Variant type: single nucleotide variant.
Coding change: c.404G>C on transcript NM_000455.5 (MANE Select); coding-DNA position 404, G replaced by C.
Protein change: p.Gly135Ala; replaces glycine 135 with alanine.
Molecular consequence: missense variant.
Genome position (GRCh38, 1-based): chr19:1,219,353, G>C. VCF-style: chr19-1219353-G-C. GRCh37 (hg19) VCF-style: chr19-1219352-G-C.
Other names: short protein forms G135A.
Identifiers: ClinVar variation 651718 (VCV000651718.8), dbSNP rs1599925335, ClinGen allele CA402948193.

ClinVar aggregate classification (germline): Uncertain significance (1 of 4 stars; one submission).

Conditions:
Peutz-Jeghers syndrome (PJS). Also called: POLYPOSIS, HAMARTOMATOUS INTESTINAL; POLYPS-AND-SPOTS SYNDROME; Peutz-Jeghers polyposis; Periorificial lentiginosis syndrome. Identifiers: Orphanet 2869, MedGen C0031269, MeSH D010580, MONDO:0008280, OMIM 175200.

Submission:

Labcorp Genetics (formerly Invitae), Labcorp
Classification: Uncertain significance for Peutz-Jeghers syndrome. Last evaluated: 2024-03-06. Review status: criteria provided, single submitter. Criteria: Invitae Variant Classification Sherloc (09022015). Collection method: clinical testing. Allele origin: germline.
Comment: This sequence change replaces glycine, which is neutral and non-polar, with alanine, which is neutral and non-polar, at codon 135 of the STK11 protein (p.Gly135Ala). This variant is not present in population databases (gnomAD no frequency). This variant has not been reported in the literature in individuals affected with STK11-related conditions. ClinVar contains an entry for this variant (Variation ID: 651718). Advanced modeling of protein sequence and biophysical properties (such as structural, functional, and spatial information, amino acid conservation, physicochemical variation, residue mobility, and thermodynamic stability) has been performed at Invitae for this missense variant, however the output from this modeling did not meet the statistical confidence thresholds required to predict the impact of this variant on STK11 protein function. In summary, the available evidence is currently insufficient to determine the role of this variant in disease. Therefore, it has been classified as a Variant of Uncertain Significance.